The following is an entry in ClinVar:

NM_001267550.2(TTN):c.86570dup (p.Thr28858fs)

Genes: TTN (titin; minus strand), TTN-AS1 (TTN antisense RNA 1; plus strand). Cytogenetic location: 2q31.2.
Variant type: Duplication.
Coding change: c.86570dup on transcript NM_001267550.2 (MANE Select); coding-DNA position 86570, one base duplicated (T; older notation c.86570dupT).
Protein change: p.Thr28858fs; shifts the reading frame from threonine 28858.
Molecular consequence: frameshift variant.
Genome position (GRCh38, 1-based): chr2:178,559,562, A duplicated on the plus strand (T on the coding strand, the reverse complement: TTN is on the minus strand). VCF-style (leftmost placement, unchanged base first): chr2-178559561-T-TA. GRCh37 (hg19) VCF-style: chr2-179424288-T-TA.
Other names: c.81647dup, p.Thr27217fs (NM_001256850.1); c.59375dup, p.Thr19793fs (NM_003319.4); c.78866dup, p.Thr26290fs (NM_133378.4); c.59750dup, p.Thr19918fs (NM_133432.3); c.59951dup, p.Thr19985fs (NM_133437.4); short protein forms T19793fs, T19985fs, T19918fs, T26290fs, T27217fs, T28858fs.
Identifiers: ClinVar variation 1520869 (VCV001520869.6), dbSNP rs2154157942, ClinGen allele CA2573134099.

ClinVar aggregate classification (germline): Likely pathogenic (1 of 4 stars; one submission).

Conditions:
Dilated cardiomyopathy 1G (CMD1G). Identifiers: Orphanet 154, MedGen C1858763, MONDO:0011400, OMIM 604145.
Autosomal recessive limb-girdle muscular dystrophy type 2J (LGMDR10). Also called: Limb-girdle muscular dystrophy, type 2J; MUSCULAR DYSTROPHY, LIMB-GIRDLE, AUTOSOMAL RECESSIVE 10. Identifiers: Orphanet 140922, MedGen C1837342, MONDO:0012127, OMIM 608807.

Submission:

Labcorp Genetics (formerly Invitae), Labcorp
Classification: Likely pathogenic for Dilated cardiomyopathy 1G; Autosomal recessive limb-girdle muscular dystrophy type 2J. Last evaluated: 2021-10-05. Review status: criteria provided, single submitter. Criteria: Invitae Variant Classification Sherloc (09022015). Collection method: clinical testing. Allele origin: germline.
Comment: In summary, the currently available evidence indicates that the variant is pathogenic, but additional data are needed to prove that conclusively. Therefore, this variant has been classified as Likely Pathogenic. This variant is located in the A band of TTN (PMID: 25589632). Truncating variants in this region are significantly overrepresented in patients affected with dilated cardiomyopathy (PMID: 25589632). Truncating variants in this region have also been reported in individuals affected with autosomal recessive centronuclear myopathy (PMID: 23975875). This variant has not been reported in the literature in individuals affected with TTN-related conditions. This variant is not present in population databases (ExAC no frequency). This sequence change creates a premature translational stop signal (p.Thr28858Asnfs*13) in the TTN gene. While this is not anticipated to result in nonsense mediated decay, it is expected to create a truncated TTN protein.

Literature cited by the submitters: PubMed 25589632; PubMed 23975875.